The following is an entry in ClinVar:

ClinVar aggregate classification (germline): Pathogenic/Likely pathogenic. Review status: criteria provided, multiple submitters, no conflicts (2 of 4 stars). 6 submissions from 6 submitters: Pathogenic (5); Likely pathogenic (1). Last evaluated 2026-02-03.

Conditions:
Congenital myasthenic syndrome (CMS). Also called: Congenital Myasthenic Syndromes. Identifiers: Orphanet 590, MedGen C0751882, MeSH D020294, MONDO:0018940.
Familial infantile myasthenia (CMS6). Also called: MYASTHENIC SYNDROME, PRESYNAPTIC, CONGENITAL, ASSOCIATED WITH EPISODIC APNEA; Congenital myasthenic syndrome type 6; MYASTHENIC SYNDROME, CONGENITAL, 6, PRESYNAPTIC. Identifiers: Orphanet 590, MedGen C0393929, MONDO:0009689, OMIM 254210.

Allele frequency attached by ClinVar (database versions not stated): gnomAD 0.00004; gnomAD exomes 0.00005 and 0.00007; ExAC 0.00006; TOPMed 0.00007; ESP Exome Variant Server 0.00008.
gnomAD v4.1: 104 of 1,613,868 alleles (0.0064%); highest among the groups gnomAD compares: African/African-American, 0.008%; no homozygotes.

Submissions (6):

Labcorp Genetics (formerly Invitae), Labcorp
Classification: Pathogenic for Familial infantile myasthenia. Last evaluated: 2026-02-03. Review status: criteria provided, single submitter. Criteria: Invitae Variant Classification Sherloc (09022015). Collection method: clinical testing. Allele origin: germline.
Comment: This sequence change replaces alanine, which is neutral and non-polar, with threonine, which is neutral and polar, at codon 557 of the CHAT protein (p.Ala557Thr). This variant is present in population databases (rs372760913, gnomAD 0.009%). This missense change has been observed in individuals with congenital myasthenic syndrome (PMID: 19520274, 29189923; internal data). ClinVar contains an entry for this variant (Variation ID: 461452). Invitae Evidence Modeling of protein sequence and biophysical properties (such as structural, functional, and spatial information, amino acid conservation, physicochemical variation, residue mobility, and thermodynamic stability) indicates that this missense variant is expected to disrupt CHAT protein function with a positive predictive value of 95%. Experimental studies have shown that this missense change affects CHAT function (PMID: 21786365). For these reasons, this variant has been classified as Pathogenic.

Variantyx, Inc.
Classification: Pathogenic for Familial infantile myasthenia. Last evaluated: 2025-08-06. Review status: criteria provided, single submitter. Criteria: Variantyx Assertion Criteria 2022. Collection method: clinical testing. Allele origin: germline. Inheritance: Autosomal recessive inheritance. Affected: yes.
Comment: This is a nonsynonymous variant in the CHAT gene (OMIM: 118490). Pathogenic variants in this gene have been associated with autosomal recessive presynaptic congenital myasthenic syndrome-6. Functional studies have shown that this variant alters CHAT protein function (PMID: 21786365) (PS3_Moderate) and multiple computational algorithms predict a deleterious effect for this variant (REVEL score: 0.859) (PP3). This variant has a 0.0080% maximum allele frequency in non-founder control populations (PM2). Based on the current evidence, this variant is classified as pathogenic for autosomal recessive presynaptic congenital myasthenic syndrome-6.

Baylor Genetics
Classification: Pathogenic for Familial infantile myasthenia. Last evaluated: 2023-11-20. Review status: criteria provided, single submitter. Criteria: ACMG Guidelines, 2015. Collection method: clinical testing. Allele origin: unknown.

Women's Health and Genetics/Laboratory Corporation of America, LabCorp
Classification: Pathogenic for Congenital myasthenic syndrome. Last evaluated: 2023-11-20. Review status: criteria provided, single submitter. Criteria: LabCorp Variant Classification Summary - May 2015. Collection method: clinical testing. Allele origin: germline.
Comment: Variant summary: CHAT c.1669G>A (p.Ala557Thr) results in a non-conservative amino acid change located in the Choline/carnitine acyltransferase domain (IPR039551) of the encoded protein sequence. Five of five in-silico tools predict a damaging effect of the variant on protein function. The variant allele was found at a frequency of 5.2e-05 in 251264 control chromosomes (gnomAD). This frequency is not significantly higher than estimated for a pathogenic variant in CHAT causing Congenital Myasthenic Syndrome (5.2e-05 vs 0.00079), allowing no conclusion about variant significance. c.1669G>A has been reported in the literature in multiple individuals affected with Congenital Myasthenic Syndrome (e.g., Mallory_2009, Shen_2011). These data indicate that the variant is very likely to be associated with disease. At least one publication reports experimental evidence evaluating an impact on protein function, finding that the variant results in reduced expression and catalytic efficiency (e.g., Shen_2011). The following publications have been ascertained in the context of this evaluation (PMID: 19520274, 21786365). Three submitters have reported clinical-significance assessments for this variant to ClinVar after 2014. All submitters classified the variant as pathogenic/likely pathogenic. Based on the evidence outlined above, the variant was classified as pathogenic.

GeneDx
Classification: Pathogenic. Last evaluated: 2022-07-27. Review status: criteria provided, single submitter. Criteria: GeneDx Variant Classification Process June 2021. Collection method: clinical testing. Allele origin: germline. Affected: yes.
Comment: Published functional studies demonstrate a damaging effect, as the A557T variant demonstrates reduced expression, low catalytic rate, and an extremely low affinity for acetyl-CoA and choline in comparison to wild-type (PMID: 21786365); Not observed at significant frequency in large population cohorts (gnomAD); In silico analysis supports that this missense variant has a deleterious effect on protein structure/function; This variant is associated with the following publications: (PMID: 19520274, 21786365, 29189923, 29783273, 26080897, 33650116, Kong 2022 [Poster], 34431804)

Revvity Omics, Revvity
Classification: Likely pathogenic for Familial infantile myasthenia. Last evaluated: 2019-08-29. Review status: criteria provided, single submitter. Criteria: ACMG Guidelines, 2015. Collection method: clinical testing. Allele origin: germline.

Literature cited by the submitters: PubMed 19520274 (cited by Labcorp Genetics (formerly Invitae), Labcorp and Women's Health and Genetics/Laboratory Corporation of America, LabCorp); PubMed 29189923 (cited by Labcorp Genetics (formerly Invitae), Labcorp and Variantyx, Inc.); PubMed 21786365 (cited by 3 submitters); PubMed 39036811 (cited by Variantyx, Inc.).

NM_020549.5(CHAT):c.1669G>A (p.Ala557Thr)

Gene: CHAT (choline O-acetyltransferase; plus strand). Cytogenetic location: 10q11.23.
Variant type: single nucleotide variant.
Coding change: c.1669G>A on transcript NM_020549.5 (MANE Select); coding-DNA position 1669, G replaced by A.
Protein change: p.Ala557Thr; replaces alanine 557 with threonine.
Molecular consequence: missense variant.
Genome position (GRCh38, 1-based): chr10:49,655,129, G>A. VCF-style: chr10-49655129-G-A. GRCh37 (hg19) VCF-style: chr10-50863175-G-A.
Other names: c.1315G>A, p.Ala439Thr (NM_001142929.2, NM_001142934.2, NM_020984.4 and 2 more transcripts); c.1423G>A, p.Ala475Thr (NM_001142933.2); short protein forms A439T, A557T, A475T.
Identifiers: ClinVar variation 461452 (VCV000461452.22), dbSNP rs372760913, ClinGen allele CA5497591.